The following is an entry in ClinVar:

NM_000562.3(C8A):c.662C>T (p.Ala221Val)

Gene: C8A (complement C8 alpha chain; plus strand). Cytogenetic location: 1p32.2.
Variant type: single nucleotide variant.
Coding change: c.662C>T on transcript NM_000562.3 (MANE Select); coding-DNA position 662, C replaced by T.
Protein change: p.Ala221Val; replaces alanine 221 with valine.
Molecular consequence: missense variant.
Genome position (GRCh38, 1-based): chr1:56,883,488, C>T. VCF-style: chr1-56883488-C-T. GRCh37 (hg19) VCF-style: chr1-57349161-C-T.
Other names: short protein forms A221V.
Identifiers: ClinVar variation 1514574 (VCV001514574.6), dbSNP rs139740733, ClinGen allele CA875135.
Genomic context (GRCh38, chr1:56,883,488, plus strand): 5'-TTGAGAAATGGCTCTATGTGCACAAAGCTAATATCTATCCTTTTTTTTTTCAGGCCCTGG[C>T]AGATACTGGAATCTCCTCAGAGTTTTATGATAATGCAAATGACCTTCTTTCCAAAGTTAA-3'
Protein context (NP_000553.1, residues 211-231): NFLKYHFEAL[Ala221Val]DTGISSEFYD

ClinVar aggregate classification (germline): Uncertain significance (1 of 4 stars; one submission).

Allele frequency attached by ClinVar (database versions not stated): gnomAD exomes 0.00006 and 0.00007; ExAC 0.00007; TOPMed 0.00008; ESP Exome Variant Server 0.00015; gnomAD 0.00003 and 0.00004.
gnomAD v4.1: 95 of 1,612,366 alleles (0.0059%); highest among the groups gnomAD compares: Admixed American, 0.023%; no homozygotes.

Submission:

Labcorp Genetics (formerly Invitae), Labcorp
Classification: Uncertain significance. Last evaluated: 2025-12-20. Review status: criteria provided, single submitter. Criteria: Invitae Variant Classification Sherloc (09022015). Collection method: clinical testing. Allele origin: germline.
Comment: This sequence change replaces alanine, which is neutral and non-polar, with valine, which is neutral and non-polar, at codon 221 of the C8A protein (p.Ala221Val). This variant is present in population databases (rs139740733, gnomAD 0.02%). This variant has not been reported in the literature in individuals affected with C8A-related conditions. ClinVar contains an entry for this variant (Variation ID: 1514574). An algorithm developed to predict the effect of missense changes on protein structure and function (PolyPhen-2) suggests that this variant is likely to be disruptive. In summary, the available evidence is currently insufficient to determine the role of this variant in disease. Therefore, it has been classified as a Variant of Uncertain Significance.